The following is an entry in ClinVar:

ClinVar aggregate classification (germline): Uncertain significance. Review status: criteria provided, multiple submitters, no conflicts (2 of 4 stars). 2 submissions from 2 submitters: Uncertain significance (2). Last evaluated 2025-08-31.

Allele frequency attached by ClinVar (database versions not stated): gnomAD 0.00001 and 0.00002; TOPMed 0.00004; ESP Exome Variant Server 0.00008.

Submissions (2):

Labcorp Genetics (formerly Invitae), Labcorp
Classification: Uncertain significance. Last evaluated: 2025-08-31. Review status: criteria provided, single submitter. Criteria: Invitae Variant Classification Sherloc (09022015). Collection method: clinical testing. Allele origin: germline.
Comment: This sequence change replaces arginine, which is basic and polar, with histidine, which is basic and polar, at codon 929 of the KL protein (p.Arg929His). This variant is present in population databases (rs373063965, gnomAD 0.004%). This variant has not been reported in the literature in individuals affected with KL-related conditions. ClinVar contains an entry for this variant (Variation ID: 1438453). Invitae Evidence Modeling of protein sequence and biophysical properties (such as structural, functional, and spatial information, amino acid conservation, physicochemical variation, residue mobility, and thermodynamic stability) indicates that this missense variant is not expected to disrupt KL protein function with a negative predictive value of 80%. In summary, the available evidence is currently insufficient to determine the role of this variant in disease. Therefore, it has been classified as a Variant of Uncertain Significance.

Ambry Genetics
Classification: Uncertain significance. Last evaluated: 2023-11-13. Review status: criteria provided, single submitter. Criteria: Ambry Variant Classification Scheme 2023. Collection method: clinical testing. Allele origin: germline.

NM_004795.4(KL):c.2786G>A (p.Arg929His)

Gene: KL (klotho; plus strand). Cytogenetic location: 13q13.1.
Variant type: single nucleotide variant.
Coding change: c.2786G>A on transcript NM_004795.4 (MANE Select); coding-DNA position 2786, G replaced by A.
Protein change: p.Arg929His; replaces arginine 929 with histidine.
Molecular consequence: missense variant.
Genome position (GRCh38, 1-based): chr13:33,063,933, G>A. VCF-style: chr13-33063933-G-A. GRCh37 (hg19) VCF-style: chr13-33638070-G-A.
Other names: c.2786G>A (NM_004795.3); short protein forms R929H.
Identifiers: ClinVar variation 1438453 (VCV001438453.7), dbSNP rs373063965, ClinGen allele CA247533291.
Genomic context (GRCh38, chr13:33,063,933, plus strand): 5'-TTTGCGGATACTTTGCTTATTCGTTTAACGACCGCACAGCTCCGAGGTTTGGCCTCTATC[G>A]TTATGCTGCAGATCAGTTTGAGCCCAAGGCATCCATGAAACATTACAGGAAAATTATTGA-3'
Protein context (NP_004786.2, residues 919-939): DRTAPRFGLY[Arg929His]YAADQFEPKA